The following is an entry in ClinVar:

ClinVar aggregate classification (germline): Uncertain significance (1 of 4 stars; one submission).

Conditions:
TRADD-related disorder. Also called: TRADD-related condition.

gnomAD v4.1: 4 of 1,555,904 alleles (0.00026%); highest among the groups gnomAD compares: Middle Eastern, 0.017%; no homozygotes.

Submission:

PreventionGenetics, part of Exact Sciences
Classification: Uncertain significance for TRADD-related condition. Last evaluated: 2026-04-27. Review status: criteria provided, single submitter. Criteria: ACMG Guidelines, 2015. Collection method: clinical testing. Allele origin: germline.
Comment: The TRADD c.311C>A variant is predicted to result in the amino acid substitution p.Ala104Glu. To our knowledge, this variant has not been reported in the literature. This variant is reported in 0.0016% of alleles in individuals of European (Non-Finnish) descent in gnomAD. At this time, the clinical significance of this variant is uncertain due to the absence of conclusive functional and genetic evidence.

NM_003789.4(TRADD):c.311C>A (p.Ala104Glu)

Genes: TRADD (TNFRSF1A associated via death domain; minus strand), LOC130059179 (ATAC-STARR-seq lymphoblastoid silent region 7582; plus strand). Cytogenetic location: 16q22.1.
Variant type: single nucleotide variant.
Coding change: c.311C>A on transcript NM_003789.4 (MANE Select); coding-DNA position 311, C replaced by A.
Protein change: p.Ala104Glu; replaces alanine 104 with glutamic acid.
Molecular consequence: missense variant.
Genome position (GRCh38, 1-based): chr16:67,155,495, G>T on the plus strand (C>A on the coding strand, the complement: TRADD is on the minus strand). VCF-style: chr16-67155495-G-T. GRCh37 (hg19) VCF-style: chr16-67189398-G-T.
Other names: c.311C>A, p.Ala104Glu (NM_001323552.2); short protein forms A104E.
Identifiers: ClinVar variation 4977860 (VCV004977860.1).